The following is an entry in ClinVar:

ClinVar aggregate classification (germline): Uncertain significance (1 of 4 stars; one submission).

Submission:

Quest Diagnostics Nichols Institute San Juan Capistrano
Classification: Uncertain significance. Last evaluated: 2024-03-22. Review status: criteria provided, single submitter. Criteria: Quest Diagnostics criteria. Collection method: clinical testing. Allele origin: unknown.
Comment: The VWF c.3407G>A (p.Arg1136Gln) variant has not been reported in individuals with VWF-related conditions in the published literature. The frequency of this variant in the general population, 0.0011 (10/8884 chromosomes (Genome Aggregation Database)), is uninformative in the assessment of its pathogenicity. Analysis of this variant using bioinformatics tools for the prediction of the effect of amino acid changes on protein structure and function yielded predictions that this variant is benign. Based on the available information, we are unable to determine the clinical significance of this variant.

NM_000552.5(VWF):c.3407G>A (p.Arg1136Gln)

Gene: VWF (von Willebrand factor; minus strand). Cytogenetic location: 12p13.31.
Variant type: single nucleotide variant.
Coding change: c.3407G>A on transcript NM_000552.5 (MANE Select); coding-DNA position 3407, G replaced by A.
Protein change: p.Arg1136Gln; replaces arginine 1136 with glutamine.
Molecular consequence: missense variant.
Genome position (GRCh38, 1-based): chr12:6,022,871, C>T on the plus strand (G>A on the coding strand, the complement: VWF is on the minus strand). VCF-style: chr12-6022871-C-T. GRCh37 (hg19) VCF-style: chr12-6132037-C-T.
Other names: short protein forms R1136Q.
Identifiers: ClinVar variation 3572163 (VCV003572163.1).